The following is an entry in ClinVar:

NM_000433.4(NCF2):c.812A>G (p.Lys271Arg)

Gene: NCF2 (neutrophil cytosolic factor 2; minus strand). Cytogenetic location: 1q25.3.
Variant type: single nucleotide variant.
Coding change: c.812A>G on transcript NM_000433.4 (MANE Select); coding-DNA position 812, A replaced by G.
Protein change: p.Lys271Arg; replaces lysine 271 with arginine.
Molecular consequence: missense variant.
Genome position (GRCh38, 1-based): chr1:183,567,247, T>C on the plus strand (A>G on the coding strand, the complement: NCF2 is on the minus strand). VCF-style: chr1-183567247-T-C. GRCh37 (hg19) VCF-style: chr1-183536382-T-C.
Other names: c.812A>G, p.Lys271Arg (NM_001127651.3); c.569A>G, p.Lys190Arg (NM_001190789.2); c.677A>G, p.Lys226Arg (NM_001190794.2); short protein forms K271R, K190R, K226R.
Identifiers: ClinVar variation 575581 (VCV000575581.11), dbSNP rs1558094825, ClinGen allele CA343672386.
Genomic context (GRCh38, chr1:183,567,247, plus strand): 5'-CCTGATCCTCTGCATACCTGCCCGTTGAACATGACCGTGGCCCAGTTATCATTGCCCTTC[T>C]TCAAGACAAAGACAATGTTCCCTGGCATGACCTGGAGCTCTTCTTTTGTCTCAGGCACAA-3'
Protein context (NP_000424.2, residues 261-281): VMPGNIVFVL[Lys271Arg]KGNDNWATVM

ClinVar aggregate classification (germline): Uncertain significance (1 of 4 stars; one submission).

Conditions:
Granulomatous disease, chronic, autosomal recessive, cytochrome b-positive, type 2. Also called: GRANULOMATOUS DISEASE, CHRONIC, AUTOSOMAL RECESSIVE, 2; Chronic granulomatous disease due to deficiency of NCF-2; Chronic Granulomatous Disease, Autosomal Recessive, Cytochrome b-Positive, Type II; GRANULOMATOUS DISEASE, CHRONIC, DUE TO NCF2 DEFICIENCY; CGD, AUTOSOMAL RECESSIVE CYTOCHROME b-POSITIVE, TYPE II. Identifiers: Orphanet 379, MedGen C1856245, MONDO:0009310, OMIM 233710.

Submission:

Labcorp Genetics (formerly Invitae), Labcorp
Classification: Uncertain significance for Granulomatous disease, chronic, autosomal recessive, cytochrome b-positive, type 2. Last evaluated: 2019-06-19. Review status: criteria provided, single submitter. Criteria: Invitae Variant Classification Sherloc (09022015). Collection method: clinical testing. Allele origin: germline.
Comment: This sequence change replaces lysine with arginine at codon 271 of the NCF2 protein (p.Lys271Arg). The lysine residue is highly conserved and there is a small physicochemical difference between lysine and arginine. In summary, the available evidence is currently insufficient to determine the role of this variant in disease. Therefore, it has been classified as a Variant of Uncertain Significance. Algorithms developed to predict the effect of sequence changes on RNA splicing suggest that this variant may create or strengthen a splice site, but this prediction has not been confirmed by published transcriptional studies. Algorithms developed to predict the effect of missense changes on protein structure and function are either unavailable or do not agree on the potential impact of this missense change (SIFT: "Tolerated"; PolyPhen-2: "Possibly Damaging"; Align-GVGD: "Class C0"). This variant has not been reported in the literature in individuals with NCF2-related disease. This variant is not present in population databases (ExAC no frequency).